The following is an entry in ClinVar:

NM_015001.3(SPEN):c.3648A>G (p.Gln1216=)

Gene: SPEN (spen family transcriptional repressor; plus strand). Cytogenetic location: 1p36.13.
Variant type: single nucleotide variant.
Coding change: c.3648A>G on transcript NM_015001.3 (MANE Select); coding-DNA position 3648, A replaced by G.
Protein change: p.Gln1216=; no amino-acid change (glutamine 1216 retained).
Molecular consequence: synonymous variant.
Genome position (GRCh38, 1-based): chr1:15,929,888, A>G. VCF-style: chr1-15929888-A-G. GRCh37 (hg19) VCF-style: chr1-16256383-A-G.
Identifiers: ClinVar variation 4533887 (VCV004533887.6).

ClinVar aggregate classification (germline): Likely benign (1 of 4 stars; one submission).

gnomAD v4.1: 106 of 1,614,202 alleles (0.0066%); highest among the groups gnomAD compares: Middle Eastern, 0.082%; 2 homozygotes.

Submission:

CeGaT Center for Human Genetics Tuebingen
Classification: Likely benign. Last evaluated: 2025-10-01. Review status: criteria provided, single submitter. Criteria: CeGaT Center For Human Genetics Tuebingen Variant Classification Criteria Version 2. Collection method: clinical testing. Allele origin: germline. Affected: yes. Observed: 1 variant allele.
Comment: SPEN: BP4, BP7